The following is an entry in ClinVar:

ClinVar aggregate classification (germline): Uncertain significance (1 of 4 stars; one submission).

Conditions:
Baller-Gerold syndrome (BGS). Also called: CRANIOSYNOSTOSIS WITH RADIAL DEFECTS. Identifiers: Orphanet 1225, MedGen C0265308, MONDO:0009039, OMIM 218600.

gnomAD v4.1: 3 of 1,611,360 alleles (0.00019%); highest among the groups gnomAD compares: Non-Finnish European, 0.000085%; no homozygotes.

Submission:

Labcorp Genetics (formerly Invitae), Labcorp
Classification: Uncertain significance for Baller-Gerold syndrome. Last evaluated: 2023-03-08. Review status: criteria provided, single submitter. Criteria: Invitae Variant Classification Sherloc (09022015). Collection method: clinical testing. Allele origin: germline.
Comment: This sequence change replaces aspartic acid, which is acidic and polar, with glutamic acid, which is acidic and polar, at codon 1121 of the RECQL4 protein (p.Asp1121Glu). The frequency data for this variant in the population databases is considered unreliable, as metrics indicate poor data quality at this position in the gnomAD database. This variant has not been reported in the literature in individuals affected with RECQL4-related conditions. ClinVar contains an entry for this variant (Variation ID: 528997). Experimental studies and prediction algorithms are not available or were not evaluated, and the functional significance of this variant is currently unknown. In summary, the available evidence is currently insufficient to determine the role of this variant in disease. Therefore, it has been classified as a Variant of Uncertain Significance.

NM_004260.4(RECQL4):c.3363C>A (p.Asp1121Glu)

Gene: RECQL4 (RecQ like helicase 4; minus strand). Cytogenetic location: 8q24.3.
Variant type: single nucleotide variant.
Coding change: c.3363C>A on transcript NM_004260.4 (MANE Select); coding-DNA position 3363, C replaced by A.
Protein change: p.Asp1121Glu; replaces aspartic acid 1121 with glutamic acid.
Molecular consequence: missense variant.
Genome position (GRCh38, 1-based): chr8:144,511,941, G>T on the plus strand (C>A on the coding strand, the complement: RECQL4 is on the minus strand). VCF-style: chr8-144511941-G-T. GRCh37 (hg19) VCF-style: chr8-145737324-G-T.
Other names: short protein forms D1121E.
Identifiers: ClinVar variation 528997 (VCV000528997.5), dbSNP rs148752485, ClinGen allele CA4947802.
Genomic context (GRCh38, chr8:144,511,941, plus strand): 5'-CGATGAGCTGCCTGGCCTTACTGCACTCACTCTGGCCTGCCCTGGCTCGGGGCCCTGTGC[G>T]TCCTCCATGCCTCCCGGCTCCTGCCCTTCCTCTTCCTCAAAGTAGCGGCCGAGCAGGTCC-3'
Protein context (NP_004251.4, residues 1111-1131): EEGQEPGGME[Asp1121Glu]AQGPEPGQAR